The following is an entry in ClinVar:

NM_001286577.2(C2CD3):c.128T>G (p.Leu43Arg)

Gene: C2CD3 (C2 domain containing 3 centriole elongation regulator; minus strand). Cytogenetic location: 11q13.4.
Variant type: single nucleotide variant.
Coding change: c.128T>G on transcript NM_001286577.2 (MANE Select); coding-DNA position 128, T replaced by G.
Protein change: p.Leu43Arg; replaces leucine 43 with arginine.
Molecular consequence: missense variant.
Genome position (GRCh38, 1-based): chr11:74,168,541, A>C on the plus strand (T>G on the coding strand, the complement: C2CD3 is on the minus strand). VCF-style: chr11-74168541-A-C. GRCh37 (hg19) VCF-style: chr11-73879586-A-C.
Other names: c.128T>G, p.Leu43Arg (NM_015531.6); short protein forms L43R.
Identifiers: ClinVar variation 427071 (VCV000427071.2), dbSNP rs774746175, ClinGen allele CA381826113.

ClinVar aggregate classification (germline): Likely pathogenic (1 of 4 stars; one submission).

Submission:

GeneDx
Classification: Likely pathogenic. Last evaluated: 2015-07-02. Review status: criteria provided, single submitter. Criteria: GeneDx Variant Classification (06012015). Collection method: clinical testing. Allele origin: germline. Affected: yes.
Comment: The L43R variant in the C2CD3 gene has not been published as a pathogenic variant, nor has it been reported as a benign polymorphism to our knowledge. The L43R variant was not observed in approximately 6500 individuals of European and African American ancestry in the NHLBI Exome Sequencing Project, indicating it is not a common benign variant in these populations. The L43R variant is a non-conservative amino acid substitution, which is likely to impact secondary protein structure as these residues differ in polarity, charge, size and/or other properties. This substitution occurs at a position where amino acids with similar properties to Leucine are tolerated across species. In silico analysis predicts this variant is probably damaging to the protein structure/function. The L43R variant is a strong candidate for a disease-causing variant, however the possibility it may be a rare benign variant cannot be excluded.